The following is an entry in ClinVar:

ClinVar aggregate classification (germline): Uncertain significance. Review status: criteria provided, multiple submitters, no conflicts (2 of 4 stars). 2 submissions from 2 submitters: Uncertain significance (2). Last evaluated 2024-02-01.

Conditions:
Intellectual disability. Also called: Intellectual functioning disability; intellectual disabilities; Intellectual developmental disorder. Identifiers: MedGen C3714756, MeSH D008607, MONDO:0001071, HP:0001249.
Intellectual developmental disorder, autosomal dominant 3. Also called: Intellectual disability, autosomal dominant 3. Identifiers: MedGen C2675488, MONDO:0012946, OMIM 612580.

Submissions (2):

Neuberg Centre For Genomic Medicine, NCGM
Classification: Uncertain significance for Intellectual developmental disorder, autosomal dominant 3. Last evaluated: 2024-02-01. Review status: criteria provided, single submitter. Criteria: ACMG Guidelines, 2015. Collection method: clinical testing. Allele origin: germline. Inheritance: Autosomal dominant inheritance.
Comment: The above variant in CDH15 gene has not been reported previously as a pathogenic variant nor as a benign variant, to our knowledge.

Department of Pathology and Laboratory Medicine, Sinai Health System
Classification: Uncertain significance for intellectual disability. Last evaluated: 2022-09-16. Review status: criteria provided, single submitter. Criteria: ACMG Guidelines, 2015. Collection method: research. Allele origin: germline.

NM_004933.3(CDH15):c.2215_2217del (p.Tyr739del)

Gene: CDH15 (cadherin 15; plus strand). Cytogenetic location: 16q24.3.
Variant type: Deletion.
Coding change: c.2215_2217del on transcript NM_004933.3 (MANE Select); coding-DNA positions 2215 to 2217, 3 bases deleted (TAC; older notation c.2215_2217delTAC).
Protein change: p.Tyr739del; deletes tyrosine 739.
Genome position (GRCh38, 1-based): chr16:89,194,925-89,194,927, TAC deleted; deleting any 3 consecutive bases within chr16:89,194,923-89,194,927 gives the same sequence; the c. name uses the placement nearest the transcript's 3' end. VCF-style (leftmost placement, unchanged base first): chr16-89194922-GACT-G. GRCh37 (hg19) VCF-style: chr16-89261330-GACT-G.
Other names: short protein forms Y739del.
Identifiers: ClinVar variation 3779032 (VCV003779032.2).
Genomic context (GRCh38, chr16:89,194,922, plus strand): 5'-GGCTTGGAGGCTGCAGATAGTGACCCCAGTGTGCCGCCTTACGACACAGCCCTCATCTAT[GACT>G]ACGAGGGTGACGGCTCGGTGGCGGGGACGCTGAGCTCCATCCTGTCCAGCCAGGGCGATG-3'